The following is an entry in ClinVar:

NM_002691.4(POLD1):c.575T>A (p.Leu192Gln)

Gene: POLD1 (DNA polymerase delta 1, catalytic subunit; plus strand). Cytogenetic location: 19q13.33.
Variant type: single nucleotide variant.
Coding change: c.575T>A on transcript NM_002691.4 (MANE Select); coding-DNA position 575, T replaced by A.
Protein change: p.Leu192Gln; replaces leucine 192 with glutamine.
Molecular consequence: missense variant. On other transcripts: non-coding transcript variant (1).
Genome position (GRCh38, 1-based): chr19:50,402,110, T>A. VCF-style: chr19-50402110-T-A. GRCh37 (hg19) VCF-style: chr19-50905367-T-A.
Other names: c.575T>A, p.Leu192Gln (NM_001256849.1, NM_001308632.1); short protein forms L192Q.
Identifiers: ClinVar variation 1963677 (VCV001963677.5), dbSNP rs772804822, ClinGen allele CA406973444.

ClinVar aggregate classification (germline): Uncertain significance (1 of 4 stars; one submission).

Conditions:
POLD1-related polyposis and colorectal cancer syndrome (CRCS10). Also called: Colorectal cancer 10; COLORECTAL CANCER, SUSCEPTIBILITY TO, ON CHROMOSOME 19q; Colorectal cancer, susceptibility to, 10. Identifiers: Orphanet 220460, MedGen C2675481, MONDO:0012953, OMIM 612591.

gnomAD v4.1: 1 of 1,612,772 alleles (0.000062%); highest among the groups gnomAD compares: South Asian, 0.0011%; no homozygotes.

Submission:

Labcorp Genetics (formerly Invitae), Labcorp
Classification: Uncertain significance for POLD1-related polyposis and colorectal cancer syndrome. Last evaluated: 2022-10-19. Review status: criteria provided, single submitter. Criteria: Invitae Variant Classification Sherloc (09022015). Collection method: clinical testing. Allele origin: germline.
Comment: This sequence change replaces leucine, which is neutral and non-polar, with glutamine, which is neutral and polar, at codon 192 of the POLD1 protein (p.Leu192Gln). This variant is not present in population databases (gnomAD no frequency). This variant has not been reported in the literature in individuals affected with POLD1-related conditions. Advanced modeling of protein sequence and biophysical properties (such as structural, functional, and spatial information, amino acid conservation, physicochemical variation, residue mobility, and thermodynamic stability) performed at Invitae indicates that this missense variant is not expected to disrupt POLD1 protein function. In summary, the available evidence is currently insufficient to determine the role of this variant in disease. Therefore, it has been classified as a Variant of Uncertain Significance.